The following is an entry in ClinVar:

ClinVar aggregate classification (germline): Likely pathogenic (1 of 4 stars; one submission).

Conditions:
Hutchinson-Gilford syndrome (HGPS). Also called: Hutchinson-Gilford Progeria Syndrome. Identifiers: Orphanet 740, MedGen C0033300, MONDO:0008310, OMIM 176670.

Submission:

Greenwood Genetic Center Diagnostic Laboratories, Greenwood Genetic Center
Classification: Likely pathogenic for Hutchinson-Gilford syndrome. Last evaluated: 2023-06-30. Review status: criteria provided, single submitter. Criteria: ACMG Guidelines, 2015. Collection method: clinical testing. Allele origin: germline. Affected: yes.
Comment: PS2, PM2, PP3

NM_170707.4(LMNA):c.331G>A (p.Glu111Lys)

Gene: LMNA (lamin A/C; plus strand). Cytogenetic location: 1q22.
Variant type: single nucleotide variant.
Coding change: c.331G>A on transcript NM_170707.4 (MANE Select); coding-DNA position 331, G replaced by A.
Protein change: p.Glu111Lys; replaces glutamic acid 111 with lysine.
Molecular consequence: missense variant. On other transcripts: 5 prime UTR variant (8), intron variant (2).
Genome position (GRCh38, 1-based): chr1:156,115,249, G>A. VCF-style: chr1-156115249-G-A. GRCh37 (hg19) VCF-style: chr1-156085040-G-A.
Other names: c.331G>A, p.Glu111Lys (NM_001282625.2, NM_001282626.2, NM_001406983.1 and 6 more transcripts); c.-93G>A (NM_001406986.1); c.-71G>A (NM_001406990.1, NM_001406995.1, NM_001407002.1); c.-334G>A (NM_001406994.1, NM_001407000.1); c.-514G>A (NM_001406999.1); c.-177G>A (NM_001407001.1); c.-203+8426G>A (NM_001406993.1, NM_001407003.1); short protein forms E111K.
Identifiers: ClinVar variation 2572315 (VCV002572315.1), dbSNP rs61726475, ClinGen allele CA342808843.